The following is an entry in ClinVar:

NM_020937.4(FANCM):c.694C>G (p.Leu232Val)

Gene: FANCM (FA complementation group M; plus strand). Cytogenetic location: 14q21.2.
Variant type: single nucleotide variant.
Coding change: c.694C>G on transcript NM_020937.4 (MANE Select); coding-DNA position 694, C replaced by G.
Protein change: p.Leu232Val; replaces leucine 232 with valine.
Molecular consequence: missense variant. On other transcripts: intron variant (1).
Genome position (GRCh38, 1-based): chr14:45,140,644, C>G. VCF-style: chr14-45140644-C-G. GRCh37 (hg19) VCF-style: chr14-45609847-C-G.
Other names: c.694C>G, p.Leu232Val (NM_001308134.2); c.681+3403C>G (NM_001308133.2); short protein forms L232V.
Identifiers: ClinVar variation 1313959 (VCV001313959.4), dbSNP rs1885849371, ClinGen allele CA389589053.

ClinVar aggregate classification (germline): Uncertain significance. Review status: criteria provided, multiple submitters, no conflicts (2 of 4 stars). 2 submissions from 2 submitters: Uncertain significance (2). Last evaluated 2025-10-14.

Conditions:
Inborn genetic diseases. Identifiers: MedGen C0950123, MeSH D030342.

Allele frequency attached by ClinVar (database versions not stated): gnomAD 0.00001.
gnomAD v4.1: 1 of 1,587,952 alleles (0.000063%); highest among the groups gnomAD compares: Admixed American, 0.0017%; no homozygotes.

Submissions (2):

Ambry Genetics
Classification: Uncertain significance for Inborn genetic diseases. Last evaluated: 2025-10-14. Review status: criteria provided, single submitter. Criteria: Ambry Variant Classification Scheme 2023. Collection method: clinical testing. Allele origin: germline.
Comment: The p.L232V variant (also known as c.694C>G), located in coding exon 3 of the FANCM gene, results from a C to G substitution at nucleotide position 694. The leucine at codon 232 is replaced by valine, an amino acid with highly similar properties. This amino acid position is conserved. In addition, this alteration is predicted to be tolerated by in silico analysis. Based on the available evidence, the clinical significance of this variant remains unclear.

GeneDx
Classification: Uncertain significance. Last evaluated: 2023-04-20. Review status: criteria provided, single submitter. Criteria: GeneDx Variant Classification Process June 2021. Collection method: clinical testing. Allele origin: germline. Affected: yes.
Comment: Not observed in large population cohorts (gnomAD); In silico analysis supports that this missense variant does not alter protein structure/function; Has not been previously published as pathogenic or benign to our knowledge